The following is an entry in ClinVar:

NM_001252024.2(TRPM1):c.1028A>G (p.Asn343Ser)

Gene: TRPM1 (transient receptor potential cation channel subfamily M member 1; minus strand). Cytogenetic location: 15q13.3.
Variant type: single nucleotide variant.
Coding change: c.1028A>G on transcript NM_001252024.2 (MANE Select); coding-DNA position 1028, A replaced by G.
Protein change: p.Asn343Ser; replaces asparagine 343 with serine.
Molecular consequence: missense variant.
Genome position (GRCh38, 1-based): chr15:31,062,640, T>C on the plus strand (A>G on the coding strand, the complement: TRPM1 is on the minus strand). VCF-style: chr15-31062640-T-C. GRCh37 (hg19) VCF-style: chr15-31354843-T-C.
Other names: c.1079A>G, p.Asn360Ser (NM_001252020.2); c.962A>G, p.Asn321Ser (NM_002420.6); short protein forms N321S, N360S, N343S.
Identifiers: ClinVar variation 1401684 (VCV001401684.8), dbSNP rs1346543235, ClinGen allele CA391525445.

ClinVar aggregate classification (germline): Uncertain significance (1 of 4 stars; one submission).

Allele frequency attached by ClinVar (database versions not stated): gnomAD exomes below 0.00001; TOPMed below 0.00001; gnomAD 0.00001.
gnomAD v4.1: 2 of 1,614,008 alleles (0.00012%); highest among the groups gnomAD compares: East Asian, 0.0022%; no homozygotes.

Submission:

Labcorp Genetics (formerly Invitae), Labcorp
Classification: Uncertain significance. Last evaluated: 2022-08-07. Review status: criteria provided, single submitter. Criteria: Invitae Variant Classification Sherloc (09022015). Collection method: clinical testing. Allele origin: germline.
Comment: This sequence change replaces asparagine, which is neutral and polar, with serine, which is neutral and polar, at codon 321 of the TRPM1 protein (p.Asn321Ser). This variant is present in population databases (no rsID available, gnomAD 0.01%). This variant has not been reported in the literature in individuals affected with TRPM1-related conditions. ClinVar contains an entry for this variant (Variation ID: 1401684). In summary, the available evidence is currently insufficient to determine the role of this variant in disease. Therefore, it has been classified as a Variant of Uncertain Significance. Algorithms developed to predict the effect of sequence changes on RNA splicing suggest that this variant may create or strengthen a splice site. Algorithms developed to predict the effect of missense changes on protein structure and function output the following: SIFT: "Tolerated"; PolyPhen-2: "Benign"; Align-GVGD: "Class C0". The serine amino acid residue is found in multiple mammalian species, which suggests that this missense change does not adversely affect protein function.